The following is an entry in ClinVar:

ClinVar aggregate classification (germline): Pathogenic (1 of 4 stars; one submission).

Conditions:
Telangiectasia, hereditary hemorrhagic, type 2 (HHT2). Also called: ACVRL1-Related Hereditary Hemorrhagic Telangiectasia; Telangiectasia, hereditary hemorrhagic, type II. Identifiers: Orphanet 774, MedGen C1838163, MONDO:0010880, OMIM 600376. Disease mechanism: loss of function.

Submission:

Labcorp Genetics (formerly Invitae), Labcorp
Classification: Pathogenic for Telangiectasia, hereditary hemorrhagic, type 2. Last evaluated: 2023-02-22. Review status: criteria provided, single submitter. Criteria: Invitae Variant Classification Sherloc (09022015). Collection method: clinical testing. Allele origin: germline.
Comment: ClinVar contains an entry for this variant (Variation ID: 652625). This missense change has been observed in individual(s) with ACVRL1-related conditions (Invitae). This variant is not present in population databases (gnomAD no frequency). This sequence change replaces glycine, which is neutral and non-polar, with arginine, which is basic and polar, at codon 219 of the ACVRL1 protein (p.Gly219Arg). This variant disrupts the p.Gly219 amino acid residue in ACVRL1. Other variant(s) that disrupt this residue have been observed in individuals with ACVRL1-related conditions (PMID: 16429404, 30578397), which suggests that this may be a clinically significant amino acid residue. Algorithms developed to predict the effect of sequence changes on RNA splicing suggest that this variant may create or strengthen a splice site. Advanced modeling of protein sequence and biophysical properties (such as structural, functional, and spatial information, amino acid conservation, physicochemical variation, residue mobility, and thermodynamic stability) performed at Invitae indicates that this missense variant is expected to disrupt ACVRL1 protein function. For these reasons, this variant has been classified as Pathogenic.

Literature cited by the submitters: PubMed 16429404; PubMed 30578397.

NM_000020.3(ACVRL1):c.655G>C (p.Gly219Arg)

Gene: ACVRL1 (activin A receptor like type 1; plus strand). Cytogenetic location: 12q13.13.
Variant type: single nucleotide variant.
Coding change: c.655G>C on transcript NM_000020.3 (MANE Select); coding-DNA position 655, G replaced by C.
Protein change: p.Gly219Arg; replaces glycine 219 with arginine.
Molecular consequence: missense variant.
Genome position (GRCh38, 1-based): chr12:51,914,468, G>C. VCF-style: chr12-51914468-G-C. GRCh37 (hg19) VCF-style: chr12-52308252-G-C.
Other names: c.655G>C, p.Gly219Arg (NM_001077401.2); short protein forms G219R.
Identifiers: ClinVar variation 652625 (VCV000652625.8), dbSNP rs1592223416, ClinGen allele CA384900004.
Genomic context (GRCh38, chr12:51,914,468, plus strand): 5'-TGTAACCCTCACCTTCCCCTCTGGCCATCAGGAAAAGGCCGCTATGGCGAAGTGTGGCGG[G>C]GCTTGTGGCACGGTGAGAGTGTGGCCGTCAAGATCTTCTCCTCGAGGGATGAACAGTCCT-3'
Protein context (NP_000011.2, residues 209-229): GKGRYGEVWR[Gly219Arg]LWHGESVAVK